The following is an entry in ClinVar:

ClinVar aggregate classification (germline): Pathogenic. Review status: criteria provided, multiple submitters, no conflicts (2 of 4 stars). 2 submissions from 2 submitters: Pathogenic (2). Last evaluated 2022-03-03.

Conditions:
Hereditary spastic paraplegia 7 (SPG7). Also called: SPG7-related neurologic disorder; Spastic paraplegia 7; Hereditary spastic paraplegia Paraplegin type; Autosomal recessive spastic paraplegia type 7; SPASTIC PARAPLEGIA 7, AUTOSOMAL RECESSIVE, WITH OR WITHOUT CEREBELLAR ATAXIA. Identifiers: Orphanet 99013, MedGen C1846564, MONDO:0011803, OMIM 607259.

Submissions (2):

Labcorp Genetics (formerly Invitae), Labcorp
Classification: Pathogenic for Hereditary spastic paraplegia 7. Last evaluated: 2022-03-03. Review status: criteria provided, single submitter. Criteria: Invitae Variant Classification Sherloc (09022015). Collection method: clinical testing. Allele origin: germline.
Comment: For these reasons, this variant has been classified as Pathogenic. ClinVar contains an entry for this variant (Variation ID: 933586). This sequence change creates a premature translational stop signal (p.Ala312Glyfs*84) in the SPG7 gene. It is expected to result in an absent or disrupted protein product. Loss-of-function variants in SPG7 are known to be pathogenic (PMID: 21623769, 22964162). This variant is not present in population databases (gnomAD no frequency). This variant has not been reported in the literature in individuals affected with SPG7-related conditions.

Athena Diagnostics
Classification: Pathogenic. Last evaluated: 2020-02-12. Review status: criteria provided, single submitter. Criteria: Athena Diagnostics Criteria. Collection method: clinical testing. Allele origin: unknown.
Comment: The variant results in a shift of the reading frame, and is therefore predicted to result in the loss of a functional protein. Found in at least one patient with expected phenotype for this gene, and not found in general population data.

Literature cited by the submitters: PubMed 21623769 (cited by Labcorp Genetics (formerly Invitae), Labcorp); PubMed 22964162 (cited by Labcorp Genetics (formerly Invitae), Labcorp).

NM_003119.4(SPG7):c.934dup (p.Ala312fs)

Gene: SPG7 (SPG7 matrix AAA peptidase subunit, paraplegin; plus strand). Cytogenetic location: 16q24.3.
Variant type: Duplication.
Coding change: c.934dup on transcript NM_003119.4 (MANE Select); coding-DNA position 934, one base duplicated (G; older notation c.934dupG).
Protein change: p.Ala312fs; shifts the reading frame from alanine 312.
Molecular consequence: frameshift variant.
Genome position (GRCh38, 1-based): chr16:89,530,755, G duplicated; the last of 2 consecutive G bases (chr16:89,530,754-89,530,755); duplicating either gives the same sequence. VCF-style (leftmost placement, unchanged base first): chr16-89530753-T-TG. GRCh37 (hg19) VCF-style: chr16-89597161-T-TG.
Other names: c.934dup, p.Ala312fs (NM_001363850.1, NM_199367.3); short protein forms A312fs.
Identifiers: ClinVar variation 933586 (VCV000933586.8), dbSNP rs2058330715, ClinGen allele CA1139665006.